The following is an entry in ClinVar:

NM_198576.4(AGRN):c.905C>G (p.Ala302Gly)

Gene: AGRN (agrin; plus strand). Cytogenetic location: 1p36.33.
Variant type: single nucleotide variant.
Coding change: c.905C>G on transcript NM_198576.4 (MANE Select); coding-DNA position 905, C replaced by G.
Protein change: p.Ala302Gly; replaces alanine 302 with glycine.
Molecular consequence: missense variant.
Genome position (GRCh38, 1-based): chr1:1,041,350, C>G. VCF-style: chr1-1041350-C-G. GRCh37 (hg19) VCF-style: chr1-976730-C-G.
Other names: c.905C>G, p.Ala302Gly (NM_001305275.2); c.590C>G, p.Ala197Gly (NM_001364727.2); c.905C>G (NM_198576.3); short protein forms A302G, A197G.
Identifiers: ClinVar variation 2145034 (VCV002145034.2), dbSNP rs759162806, ClinGen allele CA337824917.

ClinVar aggregate classification (germline): Uncertain significance. Review status: criteria provided, multiple submitters, no conflicts (2 of 4 stars). 2 submissions from 2 submitters: Uncertain significance (2). Last evaluated 2022-03-11.

Conditions:
Inborn genetic diseases. Identifiers: MedGen C0950123, MeSH D030342.
Congenital myasthenic syndrome 8. Also called: MYASTHENIC SYNDROME, CONGENITAL, DUE TO AGRIN DEFICIENCY; Myasthenic syndrome, congenital, 8, with pre- and postsynaptic defects. Identifiers: Orphanet 590, MedGen C3808739, MONDO:0014052, OMIM 615120.

gnomAD v4.1: 37 of 1,529,808 alleles (0.0024%); highest among the groups gnomAD compares: Non-Finnish European, 0.0032%; no homozygotes.

Submissions (2):

Labcorp Genetics (formerly Invitae), Labcorp
Classification: Uncertain significance for Congenital myasthenic syndrome 8. Last evaluated: 2022-03-11. Review status: criteria provided, single submitter. Criteria: Invitae Variant Classification Sherloc (09022015). Collection method: clinical testing. Allele origin: germline.
Comment: This sequence change replaces alanine, which is neutral and non-polar, with glycine, which is neutral and non-polar, at codon 302 of the AGRN protein (p.Ala302Gly). This variant is present in population databases (no rsID available, gnomAD 0.002%). This variant has not been reported in the literature in individuals affected with AGRN-related conditions. Algorithms developed to predict the effect of missense changes on protein structure and function are either unavailable or do not agree on the potential impact of this missense change (SIFT: "Deleterious"; PolyPhen-2: "Possibly Damaging"; Align-GVGD: "Class C0"). In summary, the available evidence is currently insufficient to determine the role of this variant in disease. Therefore, it has been classified as a Variant of Uncertain Significance.

Ambry Genetics
Classification: Uncertain significance for Inborn genetic diseases. Last evaluated: 2021-12-03. Review status: criteria provided, single submitter. Criteria: Ambry Variant Classification Scheme 2023. Collection method: clinical testing. Allele origin: germline.